The following is an entry in ClinVar:

NM_000391.4(TPP1):c.496dup (p.His166fs)

Gene: TPP1 (tripeptidyl peptidase 1; minus strand). Cytogenetic location: 11p15.4.
Variant type: Duplication.
Coding change: c.496dup on transcript NM_000391.4 (MANE Select); coding-DNA position 496, one base duplicated (C; older notation c.496dupC).
Protein change: p.His166fs; shifts the reading frame from histidine 166.
Molecular consequence: frameshift variant.
Genome position (GRCh38, 1-based): chr11:6,617,313, G duplicated on the plus strand (C on the coding strand, the reverse complement: TPP1 is on the minus strand); the first of 6 consecutive G bases (chr11:6,617,313-6,617,318); duplicating any one gives the same sequence. VCF-style (leftmost placement, unchanged base first): chr11-6617312-T-TG. GRCh37 (hg19) VCF-style: chr11-6638543-T-TG.
Other names: c.496dup (NM_000391.3); short protein forms H166fs.
Identifiers: ClinVar variation 2701928 (VCV002701928.5), dbSNP rs2134595571, ClinGen allele CA645575503.
Genomic context (GRCh38, chr11:6,617,312, plus strand): 5'-AGCCCCTGGATCTGTGTGCCCCAACCCCCATTCACCCCATAGGTGTTACCAAAGTCCACA[T>TG]GGGGGGCCAAGGCCTGTGGAAGCTGGTAGGGATGTGGGGACCTTACAACATGGGTTTCCG-3'

ClinVar aggregate classification (germline): Pathogenic. Review status: criteria provided, multiple submitters, no conflicts (2 of 4 stars). 3 submissions from 3 submitters: Pathogenic (3). Last evaluated 2024-12-05.

Conditions:
Neuronal ceroid lipofuscinosis 2. Also called: TPP1-Related Neuronal Ceroid-Lipofuscinosis; JANSKY-BIELSCHOWSKY DISEASE NEURONAL CEROID LIPOFUSCINOSIS, LATE INFANTILE. Identifiers: Orphanet 168491, Orphanet 228349, Orphanet 79264, MedGen C1876161, MONDO:0008769, OMIM 204500.

Submissions (3):

GeneDx
Classification: Pathogenic. Last evaluated: 2024-12-05. Review status: criteria provided, single submitter. Criteria: GeneDx Variant Classification Process June 2021. Collection method: clinical testing. Allele origin: germline. Affected: yes.
Comment: Reported previously with a second pathogenic variant (phase unknown) in a patient with seizures, speech delay, abnormal MRI, and visual issues (PMID: 31069529); Frameshift variant predicted to result in protein truncation or nonsense mediated decay in a gene for which loss of function is a known mechanism of disease; Not observed at significant frequency in large population cohorts (gnomAD); This variant is associated with the following publications: (PMID: 31069529, 10330339)

Labcorp Genetics (formerly Invitae), Labcorp
Classification: Pathogenic. Last evaluated: 2024-01-09. Review status: criteria provided, single submitter. Criteria: Invitae Variant Classification Sherloc (09022015). Collection method: clinical testing. Allele origin: germline.
Comment: This sequence change creates a premature translational stop signal (p.His166Profs*22) in the TPP1 gene. It is expected to result in an absent or disrupted protein product. Loss-of-function variants in TPP1 are known to be pathogenic (PMID: 10330339). This variant is not present in population databases (gnomAD no frequency). This premature translational stop signal has been observed in individual(s) with clinical features of TPP1-related conditions (PMID: 31069529). Algorithms developed to predict the effect of sequence changes on RNA splicing suggest that this variant may create or strengthen a splice site. For these reasons, this variant has been classified as Pathogenic.

Myriad Genetics, Inc.
Classification: Pathogenic for Neuronal ceroid lipofuscinosis 2. Last evaluated: 2023-08-21. Review status: criteria provided, single submitter. Criteria: Myriad Autosomal Dominant, Autosomal Recessive and X-Linked Classification Criteria (2023). Collection method: clinical testing. Allele origin: unknown.
Comment: NM_000391.3(TPP1):c.496dupC(H166Pfs*22) is expected to be pathogenic in the context of TPP1-related neuronal ceroid lipofuscinosis. This variant is predicted to lead to an abnormal or absent protein product due to the creation of a premature termination codon in TPP1, a gene where loss-of-function variants are known to be pathogenic. Please note: this variant was assessed in the context of healthy population screening.

Literature cited by the submitters: PubMed 10330339 (cited by Labcorp Genetics (formerly Invitae), Labcorp); PubMed 31069529 (cited by Labcorp Genetics (formerly Invitae), Labcorp).